The following is an entry in ClinVar:

ClinVar aggregate classification (germline): Uncertain significance. Review status: criteria provided, multiple submitters, no conflicts (2 of 4 stars). 2 submissions from 2 submitters: Uncertain significance (2). Last evaluated 2022-07-11.

Conditions:
Combined immunodeficiency due to LRBA deficiency. Also called: Common variable immunodeficiency 8, with autoimmunity. Identifiers: Orphanet 445018, MedGen C3553512, MONDO:0013863, OMIM 614700.

Allele frequency attached by ClinVar (database versions not stated): ExAC 0.00001; gnomAD 0.00001 and 0.00002; TOPMed 0.00001.
gnomAD v4.1: 57 of 1,613,562 alleles (0.0035%); highest among the groups gnomAD compares: Non-Finnish European, 0.0047%; no homozygotes.

Submissions (2):

Labcorp Genetics (formerly Invitae), Labcorp
Classification: Uncertain significance for Combined immunodeficiency due to LRBA deficiency. Last evaluated: 2022-07-11. Review status: criteria provided, single submitter. Criteria: Invitae Variant Classification Sherloc (09022015). Collection method: clinical testing. Allele origin: germline.
Comment: This sequence change replaces isoleucine, which is neutral and non-polar, with valine, which is neutral and non-polar, at codon 1082 of the LRBA protein (p.Ile1082Val). This variant is present in population databases (rs553088346, gnomAD 0.004%). This variant has not been reported in the literature in individuals affected with LRBA-related conditions. ClinVar contains an entry for this variant (Variation ID: 947589). Algorithms developed to predict the effect of missense changes on protein structure and function output the following: SIFT: "Tolerated"; PolyPhen-2: "Benign"; Align-GVGD: "Class C0". The valine amino acid residue is found in multiple mammalian species, which suggests that this missense change does not adversely affect protein function. Algorithms developed to predict the effect of sequence changes on RNA splicing suggest that this variant may create or strengthen a splice site. In summary, the available evidence is currently insufficient to determine the role of this variant in disease. Therefore, it has been classified as a Variant of Uncertain Significance.

CeGaT Center for Human Genetics Tuebingen
Classification: Uncertain significance. Last evaluated: 2021-11-01. Review status: criteria provided, single submitter. Criteria: CeGaT Center For Human Genetics Tuebingen Variant Classification Criteria Version 2. Collection method: clinical testing. Allele origin: germline. Affected: yes. Observed: 1 variant allele.

NM_001364905.1(LRBA):c.3244A>G (p.Ile1082Val)

Gene: LRBA (LPS responsive beige-like anchor protein; minus strand). Cytogenetic location: 4q31.3.
Variant type: single nucleotide variant.
Coding change: c.3244A>G on transcript NM_001364905.1 (MANE Select); coding-DNA position 3244, A replaced by G.
Protein change: p.Ile1082Val; replaces isoleucine 1082 with valine.
Molecular consequence: missense variant.
Genome position (GRCh38, 1-based): chr4:150,852,466, T>C on the plus strand (A>G on the coding strand, the complement: LRBA is on the minus strand). VCF-style: chr4-150852466-T-C. GRCh37 (hg19) VCF-style: chr4-151773618-T-C.
Other names: c.3244A>G, p.Ile1082Val (NM_001199282.3, NM_001367550.1, NM_006726.5); short protein forms I1082V.
Identifiers: ClinVar variation 947589 (VCV000947589.39), dbSNP rs553088346, ClinGen allele CA3103077.